The following is an entry in ClinVar:

ClinVar aggregate classification (germline): Likely pathogenic (1 of 4 stars; one submission).

Conditions:
Glomuvenous malformation. Also called: Familial glomangioma; GLOMANGIOMAS, MULTIPLE; GLOMUS TUMORS, MULTIPLE; VENOUS MALFORMATIONS WITH GLOMUS CELLS. Identifiers: Orphanet 83454, MedGen C1841984, MONDO:0007672, OMIM 138000.

Submission:

Variantyx, Inc.
Classification: Likely pathogenic for Glomuvenous malformation. Last evaluated: 2025-07-28. Review status: criteria provided, single submitter. Criteria: Variantyx Assertion Criteria 2022. Collection method: clinical testing. Allele origin: germline. Inheritance: Autosomal dominant inheritance. Affected: yes.
Comment: This is a frameshift variant in the GLMN gene (OMIM: 601749). Pathogenic variants in this gene have been associated with autosomal dominant glomuvenous malformations. This variant introduces a premature termination codon in exon 8 out of 19. It is expected to result in loss of function, which is a known disease mechanism for GLMN in this disorder (PMID: 38489583) (PVS1). This variant is absent in non-founder control populations (PM2) and it has not been reported in individuals with GLMN-related disorders in the databases available for review. Based on the current evidence, this variant is classified as likely pathogenic for autosomal dominant glomuvenous malformations.

Literature cited by the submitters: PubMed 38489583.

NM_053274.3(GLMN):c.888_890delinsATTTGTA (p.Gly297fs)

Gene: GLMN (glomulin, FKBP associated protein; minus strand). Cytogenetic location: 1p22.1.
Variant type: Indel.
Coding change: c.888_890delinsATTTGTA on transcript NM_053274.3 (MANE Select); coding-DNA positions 888 to 890, GGG replaced by ATTTGTA.
Protein change: p.Gly297fs; shifts the reading frame from glycine 297.
Molecular consequence: frameshift variant. On other transcripts: non-coding transcript variant (1).
Genome position (GRCh38, 1-based): chr1:92,271,498-92,271,500, CCC replaced by TACAAAT on the plus strand (GGG replaced by ATTTGTA on the coding strand, the reverse complement: GLMN is on the minus strand). VCF-style: chr1-92271498-CCC-TACAAAT. GRCh37 (hg19) VCF-style: chr1-92737055-CCC-TACAAAT.
Other names: c.888_890delinsATTTGTA, p.Gly297fs (NM_001319683.2); short protein forms G297fs.
Identifiers: ClinVar variation 4813045 (VCV004813045.1).